The following is an entry in ClinVar:

ClinVar aggregate classification (germline): Benign (1 of 4 stars; one submission).

Allele frequency attached by ClinVar (database versions not stated): gnomAD exomes 0.00256; gnomAD 0.02243 and 0.02423; 1000 Genomes Project 0.02356; 1000 Genomes Project 30x 0.02483; TOPMed 0.02616.
gnomAD v4.1: 5,014 of 740,466 alleles (0.68%); highest among the groups gnomAD compares: African/African-American, 7.8%; 183 homozygotes.

Submission:

GeneDx
Classification: Benign. Last evaluated: 2018-06-16. Review status: criteria provided, single submitter. Criteria: GeneDx Variant Classification (06012015). Collection method: clinical testing. Allele origin: germline. Affected: yes.
Comment: This variant is considered likely benign or benign based on one or more of the following criteria: it is a conservative change, it occurs at a poorly conserved position in the protein, it is predicted to be benign by multiple in silico algorithms, and/or has population frequency not consistent with disease.

NM_001134831.2(AHI1):c.135+174A>G

Gene: AHI1 (Abelson helper integration site 1; minus strand). Cytogenetic location: 6q23.3.
Variant type: single nucleotide variant.
Coding change: c.135+174A>G on transcript NM_001134831.2 (MANE Select); 174 bases into the intron after coding-DNA position 135, A replaced by G.
Molecular consequence: intron variant.
Genome position (GRCh38, 1-based): chr6:135,490,449, T>C on the plus strand (A>G on the coding strand, the complement: AHI1 is on the minus strand). VCF-style: chr6-135490449-T-C. GRCh37 (hg19) VCF-style: chr6-135811587-T-C.
Other names: c.135+174A>G (NM_001134830.2, NM_001350503.2, NM_017651.5 and 2 more transcripts).
Identifiers: ClinVar variation 678288 (VCV000678288.1), dbSNP rs75218524, ClinGen allele CA148124124.
Genomic context (GRCh38, chr6:135,490,449, plus strand): 5'-TTTCCCCACTGTGTGTGTGTTCTTCCTGTAGGACAGCACTCAAGAATGAAGTCAATATTC[T>C]CACAGTGATGTTGATTCTAATATAAACTTTATTTTTACCACATGTTATTGACCATGACAT-3'